The following is an entry in ClinVar:

ClinVar aggregate classification (germline): Pathogenic (1 of 4 stars; one submission).

Conditions:
Mucopolysaccharidosis type 1. Also called: IDUA deficiency; MPS I; Mucopolysaccharidosis Type I. Identifiers: Orphanet 579, MedGen C0023786, MONDO:0001586.

Submission:

Myriad Genetics, Inc.
Classification: Pathogenic for Mucopolysaccharidosis type 1. Last evaluated: 2023-08-14. Review status: criteria provided, single submitter. Criteria: Myriad Autosomal Dominant, Autosomal Recessive and X-Linked Classification Criteria (2023). Collection method: clinical testing. Allele origin: unknown.
Comment: NM_000203.3(IDUA):c.1346_1347insGT(H449Qfs*9) is expected to be pathogenic in the context of mucopolysaccharidosis type I. This variant is predicted to lead to an abnormal or absent protein product due to the creation of a premature termination codon in IDUA, a gene where loss-of-function variants are known to be pathogenic. Please note: this variant was assessed in the context of healthy population screening.

NM_000203.5(IDUA):c.1346_1347insGT (p.His449fs)

Gene: IDUA (alpha-L-iduronidase; plus strand). Cytogenetic location: 4p16.3.
Variant type: Insertion.
Coding change: c.1346_1347insGT on transcript NM_000203.5 (MANE Select); coding-DNA positions 1346 to 1347, GT inserted.
Protein change: p.His449fs; shifts the reading frame from histidine 449.
Molecular consequence: frameshift variant. On other transcripts: non-coding transcript variant (1).
Genome position: GRCh38 VCF-style: chr4-1002888-A-AGT. GRCh37 (hg19) VCF-style: chr4-996676-A-AGT.
Other names: c.950_951insGT, p.His317fs (NM_001363576.1); short protein forms H317fs, H449fs.
Identifiers: ClinVar variation 5011349 (VCV005011349.1).